The following is an entry in ClinVar:

ClinVar aggregate classification (germline): Conflicting classifications of pathogenicity. Review status: criteria provided, conflicting classifications (1 of 4 stars). 3 submissions from 3 submitters: Uncertain significance (2); Likely benign (1). Last evaluated 2025-11-25.

gnomAD v4.1: 14 of 1,612,996 alleles (0.00087%); highest among the groups gnomAD compares: African/African-American, 0.004%; no homozygotes.

Submissions (3):

Women's Health and Genetics/Laboratory Corporation of America, LabCorp
Classification: Uncertain significance. Last evaluated: 2025-11-25. Review status: criteria provided, single submitter. Criteria: LabCorp Variant Classification Summary - May 2015. Collection method: clinical testing. Allele origin: germline.
Comment: Variant summary: TTN c.11449G>A (p.Gly3817Ser) results in a non-conservative amino acid change in the encoded protein sequence. Algorithms developed to predict the effect of missense changes on protein structure and function all suggest that this variant is likely to be disruptive. The variant was absent in 248470 control chromosomes (gnomAD). The available data on variant occurrences in the general population are insufficient to allow any conclusion about variant significance. To our knowledge, no occurrence of c.11449G>A in individuals affected with TTN-related conditions and no experimental evidence demonstrating its impact on protein function have been reported. ClinVar contains an entry for this variant (Variation ID: 4080924). Based on the evidence outlined above, the variant was classified as uncertain significance.

Revvity Omics, Revvity
Classification: Uncertain significance. Last evaluated: 2024-09-02. Review status: criteria provided, single submitter. Criteria: ACMG Guidelines, 2015. Collection method: clinical testing. Allele origin: germline.

Blueprint Genetics
Classification: Likely benign. Last evaluated: 2020-01-15. Review status: criteria provided, single submitter. Criteria: ACMG Guidelines, 2015. Collection method: clinical testing. Allele origin: germline.

NM_001267550.2(TTN):c.15181G>A (p.Gly5061Ser)

Gene: TTN (titin; minus strand). Cytogenetic location: 2q31.2.
Variant type: single nucleotide variant.
Coding change: c.15181G>A on transcript NM_001267550.2 (MANE Select); coding-DNA position 15181, G replaced by A.
Protein change: p.Gly5061Ser; replaces glycine 5061 with serine.
Molecular consequence: missense variant. On other transcripts: intron variant (3).
Genome position (GRCh38, 1-based): chr2:178,734,743, C>T on the plus strand (G>A on the coding strand, the complement: TTN is on the minus strand). VCF-style: chr2-178734743-C-T. GRCh37 (hg19) VCF-style: chr2-179599470-C-T.
Other names: c.14230G>A, p.Gly4744Ser (NM_001256850.1); c.11449G>A, p.Gly3817Ser (NM_133378.4); c.13282+3339G>A (NM_003319.4); c.13858+3339G>A (NM_133437.4); c.13657+3339G>A (NM_133432.3); short protein forms G3817S, G4744S, G5061S.
Identifiers: ClinVar variation 4080924 (VCV004080924.3).
Genomic context (GRCh38, chr2:178,734,743, plus strand): 5'-TGGATGGAAACTCAGTAAACAAACCTTTGATAACTATTTCAGTACTGCAGCTATCACTGC[C>T]GACGTCATTCACTGCTTCACATGAGTAACTCCCACTGTCTTCAACTTTTACATCCGTAAT-3'
Protein context (NP_001254479.2, residues 5051-5071): SYSCEAVNDV[Gly5061Ser]SDSCSTEIVI